The following is an entry in ClinVar:

ClinVar aggregate classification (germline): Conflicting classifications of pathogenicity. Review status: criteria provided, conflicting classifications (1 of 4 stars). 4 submissions from 4 submitters: Uncertain significance (3); Benign (1). Last evaluated 2026-01-26.

Conditions:
Ehlers-Danlos syndrome, classic type, 1 (EDSCL1). Also called: EHLERS-DANLOS SYNDROME, GRAVIS TYPE; EHLERS-DANLOS SYNDROME, SEVERE CLASSIC TYPE; EDS I; Ehlers-Danlos Syndrome, Classic Type, COL5A1-Related; Ehlers-Danlos syndrome, type 1. Identifiers: MedGen C0268335, MONDO:0019567, OMIM 130000.
Familial thoracic aortic aneurysm and aortic dissection (TAAD). Also called: Thoracic aortic aneurysms and dissections. Identifiers: Orphanet 91387, MedGen C4707243, MONDO:0019625.

Allele frequency attached by ClinVar (database versions not stated): gnomAD exomes below 0.00001 and 0.00001; TOPMed below 0.00001; ExAC 0.00001.
gnomAD v4.1: 15 of 1,614,114 alleles (0.00093%); highest among the groups gnomAD compares: Admixed American, 0.0067%; no homozygotes.

Submissions (4):

Labcorp Genetics (formerly Invitae), Labcorp
Classification: Benign for Ehlers-Danlos syndrome, classic type, 1. Last evaluated: 2026-01-26. Review status: criteria provided, single submitter. Criteria: Invitae Variant Classification Sherloc (09022015). Collection method: clinical testing. Allele origin: germline.

Women's Health and Genetics/Laboratory Corporation of America, LabCorp
Classification: Uncertain significance. Last evaluated: 2025-12-15. Review status: criteria provided, single submitter. Criteria: LabCorp Variant Classification Summary - May 2015. Collection method: clinical testing. Allele origin: germline.
Comment: Variant summary: COL5A1 c.802G>A (p.Gly268Ser) results in a non-conservative amino acid change in the encoded protein sequence. Algorithms developed to predict the effect of missense changes on protein structure and function are either unavailable or do not agree on the potential impact of this missense change. The variant allele was found at a frequency of 4e-06 in 251396 control chromosomes. The available data on variant occurrences in the general population are insufficient to allow any conclusion about variant significance. To our knowledge, no occurrence of c.802G>A in individuals affected with COL5A1-related conditions and no experimental evidence demonstrating its impact on protein function have been reported. ClinVar contains an entry for this variant (Variation ID: 432906). Based on the evidence outlined above, the variant was classified as uncertain significance.

GeneDx
Classification: Uncertain significance. Last evaluated: 2021-05-05. Review status: criteria provided, single submitter. Criteria: GeneDx Variant Classification Process June 2021. Collection method: clinical testing. Allele origin: germline. Affected: yes.
Comment: Has not been previously published as pathogenic or benign to our knowledge; Not observed at a significant frequency in large population cohorts (Lek et al., 2016); In silico analysis supports that this missense variant does not alter protein structure/function; Not located in the triple helical region, where the majority of pathogenic missense variants occur (Symoens et al., 2012; Stenson et al., 2014); This variant is associated with the following publications: (PMID: 22696272)

Ambry Genetics
Classification: Uncertain significance for Familial thoracic aortic aneurysm and aortic dissection. Last evaluated: 2020-12-09. Review status: criteria provided, single submitter. Criteria: Ambry Variant Classification Scheme 2023. Collection method: clinical testing. Allele origin: germline.
Comment: The p.G268S variant (also known as c.802G>A), located in coding exon 6 of the COL5A1 gene, results from a G to A substitution at nucleotide position 802. The glycine at codon 268 is replaced by serine, an amino acid with similar properties. This amino acid position is well conserved in available vertebrate species. In addition, this alteration is predicted to be tolerated by in silico analysis. Since supporting evidence is limited at this time, the clinical significance of this alteration remains unclear.

NM_000093.5(COL5A1):c.802G>A (p.Gly268Ser)

Gene: COL5A1 (collagen type V alpha 1 chain; plus strand). Cytogenetic location: 9q34.3.
Variant type: single nucleotide variant.
Coding change: c.802G>A on transcript NM_000093.5 (MANE Select); coding-DNA position 802, G replaced by A.
Protein change: p.Gly268Ser; replaces glycine 268 with serine.
Molecular consequence: missense variant.
Genome position (GRCh38, 1-based): chr9:134,728,685, G>A. VCF-style: chr9-134728685-G-A. GRCh37 (hg19) VCF-style: chr9-137620531-G-A.
Other names: c.802G>A, p.Gly268Ser (NM_001278074.1); short protein forms G268S.
Identifiers: ClinVar variation 432906 (VCV000432906.11), dbSNP rs748603743, ClinGen allele CA5318547.